The following is an entry in ClinVar:

ClinVar aggregate classification (germline): Likely benign. Review status: criteria provided, multiple submitters, no conflicts (2 of 4 stars). 2 submissions from 2 submitters: Likely benign (2). Last evaluated 2023-11-01.

Allele frequency attached by ClinVar (database versions not stated): gnomAD exomes 0.00012 and 0.00052; gnomAD 0.00014 and 0.00015; TOPMed 0.00030; ExAC 0.00050; 1000 Genomes Project 0.00060; 1000 Genomes Project 30x 0.00062.
gnomAD v4.1: 204 of 1,588,016 alleles (0.013%); highest among the groups gnomAD compares: Admixed American, 0.19%; no homozygotes.

Submissions (2):

CeGaT Center for Human Genetics Tuebingen
Classification: Likely benign. Last evaluated: 2023-11-01. Review status: criteria provided, single submitter. Criteria: CeGaT Center For Human Genetics Tuebingen Variant Classification Criteria Version 2. Collection method: clinical testing. Allele origin: germline. Affected: yes. Observed: 1 variant allele.
Comment: DNAH7: BP4

Labcorp Genetics (formerly Invitae), Labcorp
Classification: Likely benign. Last evaluated: 2019-12-31. Review status: criteria provided, single submitter. Criteria: Invitae Variant Classification Sherloc (09022015). Collection method: clinical testing. Allele origin: germline.

NM_018897.3(DNAH7):c.1634G>A (p.Arg545His)

Gene: DNAH7 (dynein axonemal heavy chain 7; minus strand). Cytogenetic location: 2q32.3.
Variant type: single nucleotide variant.
Coding change: c.1634G>A on transcript NM_018897.3 (MANE Select); coding-DNA position 1634, G replaced by A.
Protein change: p.Arg545His; replaces arginine 545 with histidine.
Molecular consequence: missense variant.
Genome position (GRCh38, 1-based): chr2:195,987,186, C>T on the plus strand (G>A on the coding strand, the complement: DNAH7 is on the minus strand). VCF-style: chr2-195987186-C-T. GRCh37 (hg19) VCF-style: chr2-196851910-C-T.
Other names: short protein forms R545H.
Identifiers: ClinVar variation 709074 (VCV000709074.27), dbSNP rs201266250, ClinGen allele CA2036578.